The following is an entry in ClinVar:

ClinVar aggregate classification (germline): Likely benign. Review status: criteria provided, multiple submitters, no conflicts (2 of 4 stars). 4 submissions from 4 submitters: Likely benign (4). Last evaluated 2025-11-03.

Allele frequency attached by ClinVar (database versions not stated): gnomAD exomes 0.00011 and 0.00033; ExAC 0.00012; gnomAD 0.00017 and 0.00018; TOPMed 0.00017; 1000 Genomes Project 0.00020; 1000 Genomes Project 30x 0.00031; ESP Exome Variant Server 0.00038.
gnomAD v4.1: 394 of 1,289,384 alleles (0.031%); highest among the groups gnomAD compares: Non-Finnish European, 0.043%; no homozygotes.

Submissions (4):

Labcorp Genetics (formerly Invitae), Labcorp
Classification: Likely benign. Last evaluated: 2025-11-03. Review status: criteria provided, single submitter. Criteria: Invitae Variant Classification Sherloc (09022015). Collection method: clinical testing. Allele origin: germline.

Blueprint Genetics
Classification: Likely benign. Last evaluated: 2024-10-03. Review status: criteria provided, single submitter. Criteria: ACMG Guidelines, 2015. Collection method: clinical testing. Allele origin: germline.

GeneDx
Classification: Likely benign. Last evaluated: 2017-06-05. Review status: criteria provided, single submitter. Criteria: GeneDx Variant Classification (06012015). Collection method: clinical testing. Allele origin: germline. Affected: yes.
Comment: This variant is considered likely benign or benign based on one or more of the following criteria: it is a conservative change, it occurs at a poorly conserved position in the protein, it is predicted to be benign by multiple in silico algorithms, and/or has population frequency not consistent with disease.

Breakthrough Genomics
Classification: Likely benign. Review status: criteria provided, single submitter. Criteria: ACMG Guidelines, 2015. Collection method: not provided. Allele origin: germline. Inheritance: Autosomal recessive inheritance. Affected: yes.

NM_001365088.1(SLC12A6):c.1944-19C>T

Gene: SLC12A6 (solute carrier family 12 member 6; minus strand). Cytogenetic location: 15q14.
Variant type: single nucleotide variant.
Coding change: c.1944-19C>T on transcript NM_001365088.1 (MANE Select); 19 bases into the intron before coding-DNA position 1944, C replaced by T.
Molecular consequence: intron variant.
Genome position (GRCh38, 1-based): chr15:34,244,091, G>A on the plus strand (C>T on the coding strand, the complement: SLC12A6 is on the minus strand). VCF-style: chr15-34244091-G-A. GRCh37 (hg19) VCF-style: chr15-34536292-G-A.
Other names: c.1767-19C>T (NM_001042495.2, NM_001042494.2); c.1917-19C>T (NM_001042496.2); c.1899-19C>T (NM_001042497.2); c.1944-19C>T (NM_133647.2); c.1791-19C>T (NM_005135.2).
Identifiers: ClinVar variation 509976 (VCV000509976.11), dbSNP rs199691611, ClinGen allele CA7464177.